The following is an entry in ClinVar:

ClinVar aggregate classification (germline): Likely benign. Review status: criteria provided, multiple submitters, no conflicts (2 of 4 stars). 3 submissions from 3 submitters: Likely benign (3). Last evaluated 2024-09-01.

Allele frequency attached by ClinVar (database versions not stated): gnomAD 0.00001; TOPMed 0.00002.
gnomAD v4.1: 26 of 1,607,778 alleles (0.0016%); highest among the groups gnomAD compares: Non-Finnish European, 0.002%; 1 homozygote.

Submissions (3):

CeGaT Center for Human Genetics Tuebingen
Classification: Likely benign. Last evaluated: 2024-09-01. Review status: criteria provided, single submitter. Criteria: CeGaT Center For Human Genetics Tuebingen Variant Classification Criteria Version 2. Collection method: clinical testing. Allele origin: germline. Affected: yes. Observed: 1 variant allele.
Comment: AHDC1: BP4, BP7

Labcorp Genetics (formerly Invitae), Labcorp
Classification: Likely benign. Last evaluated: 2023-12-23. Review status: criteria provided, single submitter. Criteria: Invitae Variant Classification Sherloc (09022015). Collection method: clinical testing. Allele origin: germline.

Blueprint Genetics
Classification: Likely benign. Last evaluated: 2021-08-06. Review status: criteria provided, single submitter. Criteria: ACMG Guidelines, 2015. Collection method: clinical testing. Allele origin: germline.

NM_001371928.1(AHDC1):c.4119C>T (p.Pro1373=)

Gene: AHDC1 (AT-hook DNA binding motif containing 1; minus strand). Cytogenetic location: 1p36.11.
Variant type: single nucleotide variant.
Coding change: c.4119C>T on transcript NM_001371928.1 (MANE Select); coding-DNA position 4119, C replaced by T.
Protein change: p.Pro1373=; no amino-acid change (proline 1373 retained).
Molecular consequence: synonymous variant.
Genome position (GRCh38, 1-based): chr1:27,547,997, G>A on the plus strand (C>T on the coding strand, the complement: AHDC1 is on the minus strand). VCF-style: chr1-27547997-G-A. GRCh37 (hg19) VCF-style: chr1-27874508-G-A.
Other names: c.4119C>T, p.Pro1373= (NM_001029882.3); c.75C>T, p.Pro25= (NM_015699.1).
Identifiers: ClinVar variation 2966367 (VCV002966367.18), dbSNP rs1012505411, ClinGen allele CA19872194.